The following is an entry in ClinVar:

ClinVar aggregate classification (germline): Conflicting classifications of pathogenicity. Review status: criteria provided, conflicting classifications (1 of 4 stars). 4 submissions from 4 submitters: Uncertain significance (3); Benign (1). Last evaluated 2025-10-30.

Conditions:
Cardiovascular phenotype. Identifiers: MedGen CN230736.
Ehlers-Danlos syndrome (EDS). Identifiers: Orphanet 98249, MedGen C0013720, MONDO:0020066.

Allele frequency attached by ClinVar (database versions not stated): ExAC 0.00025; gnomAD 0.00008 and 0.00011; TOPMed 0.00019; gnomAD exomes 0.00004.
gnomAD v4.1: 79 of 1,518,094 alleles (0.0052%); highest among the groups gnomAD compares: African/African-American, 0.017%; no homozygotes.

Submissions (4):

Women's Health and Genetics/Laboratory Corporation of America, LabCorp
Classification: Uncertain significance. Last evaluated: 2025-10-30. Review status: criteria provided, single submitter. Criteria: LabCorp Variant Classification Summary - May 2015. Collection method: clinical testing. Allele origin: germline.
Comment: Variant summary: ZNF469 c.14G>A (p.Arg5His) results in a non-conservative amino acid change in the encoded protein sequence. Algorithms developed to predict the effect of missense changes on protein structure and function are either unavailable or do not agree on the potential impact of this missense change. The variant allele was found at a frequency of 4.1e-05 in 121028 control chromosomes (gnomAD). The available data on variant occurrences in the general population are insufficient to allow any conclusion about variant significance. c.14G>A has been observed in individuals affected with keratoconus (Yildiz_2017). The report does not provide unequivocal conclusions about association of the variant with Brittle cornea syndrome 1. To our knowledge, no experimental evidence demonstrating an impact on protein function has been reported. The following publication have been ascertained in the context of this evaluation (PMID: 28622062). ClinVar contains an entry for this variant (Variation ID: 1702118). Based on the evidence outlined above, the variant was classified as uncertain significance.

Ambry Genetics
Classification: Benign for Cardiovascular phenotype. Last evaluated: 2025-01-14. Review status: criteria provided, single submitter. Criteria: Ambry Variant Classification Scheme 2023. Collection method: clinical testing. Allele origin: germline.

Labcorp Genetics (formerly Invitae), Labcorp
Classification: Uncertain significance. Last evaluated: 2022-06-13. Review status: criteria provided, single submitter. Criteria: Invitae Variant Classification Sherloc (09022015). Collection method: clinical testing. Allele origin: germline.
Comment: This sequence change replaces arginine, which is basic and polar, with histidine, which is basic and polar, at codon 5 of the ZNF469 protein (p.Arg5His). This variant is present in population databases (rs762382027, gnomAD 0.04%). This missense change has been observed in individual(s) with keratoconus (PMID: 28622062). Algorithms developed to predict the effect of missense changes on protein structure and function (SIFT, PolyPhen-2, Align-GVGD) all suggest that this variant is likely to be tolerated. In summary, the available evidence is currently insufficient to determine the role of this variant in disease. Therefore, it has been classified as a Variant of Uncertain Significance.

Genome Diagnostics Laboratory, The Hospital for Sick Children
Classification: Uncertain significance for Ehlers-Danlos syndrome. Last evaluated: 2022-03-04. Review status: criteria provided, single submitter. Criteria: ACMG Guidelines, 2015. Collection method: clinical testing. Allele origin: germline.

Literature cited by the submitters: PubMed 28622062 (cited by Women's Health and Genetics/Laboratory Corporation of America, LabCorp and Labcorp Genetics (formerly Invitae), Labcorp).

NM_001367624.2(ZNF469):c.14G>A (p.Arg5His)

Gene: ZNF469 (zinc finger protein 469; plus strand). Cytogenetic location: 16q24.2.
Variant type: single nucleotide variant.
Coding change: c.14G>A on transcript NM_001367624.2 (MANE Select); coding-DNA position 14, G replaced by A.
Protein change: p.Arg5His; replaces arginine 5 with histidine.
Molecular consequence: missense variant.
Genome position (GRCh38, 1-based): chr16:88,427,484, G>A. VCF-style: chr16-88427484-G-A. GRCh37 (hg19) VCF-style: chr16-88493892-G-A.
Other names: NM_001127464.2:c.14G>A; NM_001127464.1:c.14G>A; short protein forms R5H.
Identifiers: ClinVar variation 1702118 (VCV001702118.8), dbSNP rs762382027, ClinGen allele CA8224561.